The following is an entry in ClinVar:

NM_001854.4(COL11A1):c.5258T>C (p.Leu1753Pro)

Genes: COL11A1 (collagen type XI alpha 1 chain; minus strand), LOC126805814 (P300/CBP strongly-dependent group 1 enhancer GRCh37_chr1:103344928-103346127; plus strand). Cytogenetic location: 1p21.1.
Variant type: single nucleotide variant.
Coding change: c.5258T>C on transcript NM_001854.4 (MANE Select); coding-DNA position 5258, T replaced by C.
Protein change: p.Leu1753Pro; replaces leucine 1753 with proline.
Molecular consequence: missense variant. On other transcripts: non-coding transcript variant (1).
Genome position (GRCh38, 1-based): chr1:102,879,699, A>G on the plus strand (T>C on the coding strand, the complement: COL11A1 is on the minus strand). VCF-style: chr1-102879699-A-G. GRCh37 (hg19) VCF-style: chr1-103345255-A-G.
Other names: c.5258T>C (NM_001854.3); c.4910T>C, p.Leu1637Pro (NM_001168249.1, NM_080630.4); c.5141T>C, p.Leu1714Pro (NM_001190709.2); c.5294T>C, p.Leu1765Pro (NM_080629.3); short protein forms L1765P, L1637P, L1753P, L1714P.
Identifiers: ClinVar variation 3008394 (VCV003008394.7), dbSNP rs1350002806, ClinGen allele CA341210758.

ClinVar aggregate classification (germline): Conflicting classifications of pathogenicity. Review status: criteria provided, conflicting classifications (1 of 4 stars). 5 submissions from 5 submitters: Uncertain significance (3); Likely benign (2). Last evaluated 2025-10-14.

Conditions:
COL11A1-related disorder. Also called: COL11A1-related condition; COL11A1-related disorders.
Inborn genetic diseases. Identifiers: MedGen C0950123, MeSH D030342.

Allele frequency attached by ClinVar (database versions not stated): gnomAD 0.00001; gnomAD exomes 0.00001.
gnomAD v4.1: 16 of 1,613,388 alleles (0.00099%); highest among the groups gnomAD compares: Non-Finnish European, 0.0013%; no homozygotes.

Submissions (5):

Ambry Genetics
Classification: Uncertain significance for Inborn genetic diseases. Last evaluated: 2025-10-14. Review status: criteria provided, single submitter. Criteria: Ambry Variant Classification Scheme 2023. Collection method: clinical testing. Allele origin: germline.

PreventionGenetics, part of Exact Sciences
Classification: Uncertain significance for COL11A1-related condition. Last evaluated: 2025-06-14. Review status: criteria provided, single submitter. Criteria: ACMG Guidelines, 2015. Collection method: clinical testing. Allele origin: germline.
Comment: The COL11A1 c.5258T>C variant is predicted to result in the amino acid substitution p.Leu1753Pro. To our knowledge, this variant has not been reported in the literature. This variant is reported in 0.0023% of alleles in individuals of European (Non-Finnish) descent in gnomAD. At this time, the clinical significance of this variant is uncertain due to the absence of conclusive functional and genetic evidence.

Labcorp Genetics (formerly Invitae), Labcorp
Classification: Likely benign. Last evaluated: 2024-11-18. Review status: criteria provided, single submitter. Criteria: Invitae Variant Classification Sherloc (09022015). Collection method: clinical testing. Allele origin: germline.

GeneDx
Classification: Uncertain significance. Last evaluated: 2024-07-31. Review status: criteria provided, single submitter. Criteria: GeneDx Variant Classification Process June 2021. Collection method: clinical testing. Allele origin: germline. Affected: yes.
Comment: Has not been previously published as pathogenic or benign to our knowledge; Not observed at significant frequency in large population cohorts (gnomAD); In silico analysis supports that this missense variant has a deleterious effect on protein structure/function; Not located in the triple helical region, where the majority of pathogenic missense variants occur (PMID: 25240749); This variant is associated with the following publications: (PMID: 25240749)

Blueprint Genetics
Classification: Likely benign. Last evaluated: 2023-10-05. Review status: criteria provided, single submitter. Criteria: ACMG Guidelines, 2015. Collection method: clinical testing. Allele origin: germline.